The following is an entry in ClinVar:

ClinVar aggregate classification (germline): Uncertain significance (1 of 4 stars; one submission).

gnomAD v4.1: 1 of 112,307 alleles (0.00089%); highest among the groups gnomAD compares: Non-Finnish European, 0.0019%; no homozygotes.

Submission:

Greenwood Genetic Center Diagnostic Laboratories, Greenwood Genetic Center
Classification: Uncertain significance. Last evaluated: 2025-04-23. Review status: criteria provided, single submitter. Criteria: ACMG Guidelines, 2015. Collection method: clinical testing. Allele origin: germline. Affected: yes.
Comment: PM2

NM_173495.3(PTCHD1):c.*3365T>C

Gene: PTCHD1 (patched domain containing 1; plus strand). Cytogenetic location: Xp22.11.
Variant type: single nucleotide variant.
Coding change: c.*3365T>C on transcript NM_173495.3 (MANE Select); 3365 bases downstream of the stop codon, T replaced by C.
Molecular consequence: 3 prime UTR variant.
Genome position (GRCh38, 1-based): chrX:23,397,550, T>C. VCF-style: chrX-23397550-T-C. GRCh37 (hg19) VCF-style: chrX-23415667-T-C.
Identifiers: ClinVar variation 4538386 (VCV004538386.1).